The following is an entry in ClinVar:

ClinVar aggregate classification (germline): Uncertain significance (1 of 4 stars; one submission).

Submission:

Ambry Genetics
Classification: Uncertain significance. Last evaluated: 2025-02-06. Review status: criteria provided, single submitter. Criteria: Ambry Variant Classification Scheme 2023. Collection method: clinical testing. Allele origin: germline.
Comment: The p.Q633R variant (also known as c.1898A>G), located in coding exon 14 of the RECQL gene, results from an A to G substitution at nucleotide position 1898. The glutamine at codon 633 is replaced by arginine, an amino acid with highly similar properties. This amino acid position is conserved. In addition, this alteration is predicted to be tolerated by in silico analysis. Since supporting evidence is limited at this time, the clinical significance of this alteration remains unclear.

NM_002907.4(RECQL):c.1898A>G (p.Gln633Arg)

Genes: PYROXD1 (pyridine nucleotide-disulphide oxidoreductase domain 1; plus strand), RECQL (RecQ like helicase; minus strand). Cytogenetic location: 12p12.1.
Variant type: single nucleotide variant.
Coding change: c.1898A>G on transcript NM_002907.4 (MANE Select); coding-DNA position 1898, A replaced by G.
Protein change: p.Gln633Arg; replaces glutamine 633 with arginine.
Molecular consequence: missense variant. On other transcripts: 3 prime UTR variant (3).
Genome position (GRCh38, 1-based): chr12:21,470,246, T>C on the plus strand (A>G on the coding strand, the complement: RECQL is on the minus strand). VCF-style: chr12-21470246-T-C. GRCh37 (hg19) VCF-style: chr12-21623180-T-C.
Other names: c.1898A>G, p.Gln633Arg (NM_032941.3); c.*1492T>C (NM_001350912.2, NM_001350913.2, NM_024854.5); short protein forms Q633R.
Identifiers: ClinVar variation 1782198 (VCV001782198.3), dbSNP rs2540304757, ClinGen allele CA384113616.